The following is an entry in ClinVar:

ClinVar aggregate classification (germline): Likely benign. Review status: criteria provided, multiple submitters, no conflicts (2 of 4 stars). 2 submissions from 2 submitters: Likely benign (2). Last evaluated 2024-04-29.

Allele frequency attached by ClinVar (database versions not stated): gnomAD 0.00005; TOPMed 0.00005; ExAC 0.00009; 1000 Genomes Project 30x 0.00016; 1000 Genomes Project 0.00020.
gnomAD v4.1: 84 of 1,612,412 alleles (0.0052%); highest among the groups gnomAD compares: South Asian, 0.019%; 1 homozygote.

Submissions (2):

Blueprint Genetics
Classification: Likely benign. Last evaluated: 2024-04-29. Review status: criteria provided, single submitter. Criteria: ACMG Guidelines, 2015. Collection method: clinical testing. Allele origin: germline.

CeGaT Center for Human Genetics Tuebingen
Classification: Likely benign. Last evaluated: 2023-02-01. Review status: criteria provided, single submitter. Criteria: CeGaT Center For Human Genetics Tuebingen Variant Classification Criteria Version 2. Collection method: clinical testing. Allele origin: germline. Affected: yes. Observed: 1 variant allele.
Comment: KIF26A: BP4, BP7

NM_015656.2(KIF26A):c.384C>T (p.Cys128=)

Gene: KIF26A (kinesin family member 26A; plus strand). Cytogenetic location: 14q32.33.
Variant type: single nucleotide variant.
Coding change: c.384C>T on transcript NM_015656.2 (MANE Select); coding-DNA position 384, C replaced by T.
Protein change: p.Cys128=; no amino-acid change (cysteine 128 retained).
Molecular consequence: synonymous variant.
Genome position (GRCh38, 1-based): chr14:104,152,110, C>T. VCF-style: chr14-104152110-C-T. GRCh37 (hg19) VCF-style: chr14-104618447-C-T.
Identifiers: ClinVar variation 2644598 (VCV002644598.25), dbSNP rs565358718, ClinGen allele CA7370054.